The following is an entry in ClinVar:

ClinVar aggregate classification (germline): Uncertain significance (1 of 4 stars; one submission).

Allele frequency attached by ClinVar (database versions not stated): ESP Exome Variant Server 0.00008; gnomAD 0.00011; TOPMed 0.00011; ExAC 0.00017; gnomAD exomes 0.00021.
gnomAD v4.1: 318 of 1,613,960 alleles (0.02%); highest among the groups gnomAD compares: Non-Finnish European, 0.026%; no homozygotes.

Submission:

Labcorp Genetics (formerly Invitae), Labcorp
Classification: Uncertain significance. Last evaluated: 2022-02-18. Review status: criteria provided, single submitter. Criteria: Invitae Variant Classification Sherloc (09022015). Collection method: clinical testing. Allele origin: germline.
Comment: This sequence change replaces serine, which is neutral and polar, with arginine, which is basic and polar, at codon 85 of the CEP152 protein (p.Ser85Arg). This variant is present in population databases (rs368705921, gnomAD 0.03%). This variant has not been reported in the literature in individuals affected with CEP152-related conditions. Algorithms developed to predict the effect of missense changes on protein structure and function (SIFT, PolyPhen-2, Align-GVGD) all suggest that this variant is likely to be tolerated. Algorithms developed to predict the effect of sequence changes on RNA splicing suggest that this variant may create or strengthen a splice site. In summary, the available evidence is currently insufficient to determine the role of this variant in disease. Therefore, it has been classified as a Variant of Uncertain Significance.

NM_001194998.2(CEP152):c.255T>G (p.Ser85Arg)

Gene: CEP152 (centrosomal protein 152; minus strand). Cytogenetic location: 15q21.1.
Variant type: single nucleotide variant.
Coding change: c.255T>G on transcript NM_001194998.2 (MANE Select); coding-DNA position 255, T replaced by G.
Protein change: p.Ser85Arg; replaces serine 85 with arginine.
Molecular consequence: missense variant.
Genome position (GRCh38, 1-based): chr15:48,797,667, A>C on the plus strand (T>G on the coding strand, the complement: CEP152 is on the minus strand). VCF-style: chr15-48797667-A-C. GRCh37 (hg19) VCF-style: chr15-49089864-A-C.
Other names: c.255T>G, p.Ser85Arg (NM_014985.4); short protein forms S85R.
Identifiers: ClinVar variation 2194226 (VCV002194226.1), dbSNP rs368705921, ClinGen allele CA7549176.
Genomic context (GRCh38, chr15:48,797,667, plus strand): 5'-GCACGAAGATCCAGTCCCACCCTCACCAAAGTCATCATCACACCAGATACTTACATTTAC[A>C]CTTTGAGATTTGGGCAGCATTTGCTCATTCCAGCTCATCTCCAATTGCTCAGGATGATGT-3'
Protein context (NP_001181927.1, residues 75-95): WNEQMLPKSQ[Ser85Arg]VNGYNEIQSL